The following is an entry in ClinVar:

NM_198503.5(KCNT2):c.1033C>T (p.Arg345Ter)

Gene: KCNT2 (potassium sodium-activated channel subfamily T member 2; minus strand). Cytogenetic location: 1q31.3.
Variant type: single nucleotide variant.
Coding change: c.1033C>T on transcript NM_198503.5 (MANE Select); coding-DNA position 1033, C replaced by T.
Protein change: p.Arg345Ter; replaces arginine 345 with a stop codon.
Molecular consequence: nonsense. On other transcripts: non-coding transcript variant (2).
Genome position (GRCh38, 1-based): chr1:196,425,940, G>A on the plus strand (C>T on the coding strand, the complement: KCNT2 is on the minus strand). VCF-style: chr1-196425940-G-A. GRCh37 (hg19) VCF-style: chr1-196395070-G-A.
Other names: c.1033C>T, p.Arg345Ter (NM_001287819.3, NM_001287820.3); short protein forms R345*.
Identifiers: ClinVar variation 4282038 (VCV004282038.1).

ClinVar aggregate classification (germline): Uncertain significance (1 of 4 stars; one submission).

gnomAD v4.1: 1 of 1,611,952 alleles (0.000062%); highest among the groups gnomAD compares: African/African-American, 0.0013%; no homozygotes.

Submission:

GeneDx
Classification: Uncertain significance. Last evaluated: 2025-04-09. Review status: criteria provided, single submitter. Criteria: GeneDx Variant Classification Process June 2021. Collection method: clinical testing. Allele origin: germline. Affected: yes.
Comment: Not observed at significant frequency in large population cohorts (gnomAD); Nonsense variant predicted to result in protein truncation or nonsense mediated decay in a gene or region of a gene for which loss of function is not a well-established mechanism of disease; Has not been previously published as pathogenic or benign to our knowledge